The following is an entry in ClinVar:

NM_006393.3(NEBL):c.574A>G (p.Ile192Val)

Gene: NEBL (nebulette; minus strand). Cytogenetic location: 10p12.31.
Variant type: single nucleotide variant.
Coding change: c.574A>G on transcript NM_006393.3 (MANE Select); coding-DNA position 574, A replaced by G.
Protein change: p.Ile192Val; replaces isoleucine 192 with valine.
Molecular consequence: missense variant. On other transcripts: intron variant (9).
Genome position (GRCh38, 1-based): chr10:20,869,748, T>C on the plus strand (A>G on the coding strand, the complement: NEBL is on the minus strand). VCF-style: chr10-20869748-T-C. GRCh37 (hg19) VCF-style: chr10-21158677-T-C.
Other names: c.250-56808A>G (NM_001377326.1, NM_001377327.1, NM_001377328.1); c.358-56808A>G (NM_213569.2, NM_001173484.2, NM_001377322.1); c.301-56808A>G (NM_001377324.1); c.292-56808A>G (NM_001377325.1); c.310-56808A>G (NM_001377323.1); short protein forms I192V.
Identifiers: ClinVar variation 1474589 (VCV001474589.8), dbSNP rs758465790, ClinGen allele CA204204913.
Genomic context (GRCh38, chr10:20,869,748, plus strand): 5'-TCCTACAAAAGTAAGAAATCATTTCCGTTCAAGGTTTAGAAAGAGAAGTTACATTGCTTA[T>C]GATCTTAGAGATCTGGGTTGCCATCTTGATGTCTGGTCGGTCAAGTTCTGCACTGTACGT-3'
Protein context (NP_006384.1, residues 182-202): IKMATQISKI[Ile192Val]SNAEYKKGQG

ClinVar aggregate classification (germline): Uncertain significance (1 of 4 stars; one submission).

Conditions:
Primary dilated cardiomyopathy (DCM). Also called: Dilated Cardiomyopathy. Identifiers: Orphanet 217604, MedGen C0007193, MeSH D002311, MONDO:0005021, HP:0001644. Inheritance: Various modes of inheritance.

Allele frequency attached by ClinVar (database versions not stated): gnomAD exomes below 0.00001; TOPMed 0.00001.
gnomAD v4.1: 5 of 1,606,742 alleles (0.00031%); highest among the groups gnomAD compares: Non-Finnish European, 0.00043%; no homozygotes.

Submission:

Labcorp Genetics (formerly Invitae), Labcorp
Classification: Uncertain significance for Primary dilated cardiomyopathy. Last evaluated: 2023-05-30. Review status: criteria provided, single submitter. Criteria: Invitae Variant Classification Sherloc (09022015). Collection method: clinical testing. Allele origin: germline.
Comment: In summary, the available evidence is currently insufficient to determine the role of this variant in disease. Therefore, it has been classified as a Variant of Uncertain Significance. This sequence change replaces isoleucine, which is neutral and non-polar, with valine, which is neutral and non-polar, at codon 192 of the NEBL protein (p.Ile192Val). This variant is not present in population databases (gnomAD no frequency). This variant has not been reported in the literature in individuals affected with NEBL-related conditions. ClinVar contains an entry for this variant (Variation ID: 1474589). Algorithms developed to predict the effect of missense changes on protein structure and function output the following: SIFT: "Not Available"; PolyPhen-2: "Benign"; Align-GVGD: "Not Available". The valine amino acid residue is found in multiple mammalian species, which suggests that this missense change does not adversely affect protein function. Algorithms developed to predict the effect of sequence changes on RNA splicing suggest that this variant may disrupt the consensus splice site.